The following is an entry in ClinVar:

ClinVar aggregate classification (germline): Uncertain significance (1 of 4 stars; one submission).

Submission:

GeneDx
Classification: Uncertain significance. Last evaluated: 2024-03-13. Review status: criteria provided, single submitter. Criteria: GeneDx Variant Classification Process June 2021. Collection method: clinical testing. Allele origin: germline. Affected: yes.
Comment: Not observed at significant frequency in large population cohorts (gnomAD); In silico analysis supports that this missense variant does not alter protein structure/function; Has not been previously published as pathogenic or benign to our knowledge

NM_003024.3(ITSN1):c.1502G>A (p.Cys501Tyr)

Gene: ITSN1 (intersectin 1; plus strand). Cytogenetic location: 21q22.11.
Variant type: single nucleotide variant.
Coding change: c.1502G>A on transcript NM_003024.3 (MANE Select); coding-DNA position 1502, G replaced by A.
Protein change: p.Cys501Tyr; replaces cysteine 501 with tyrosine.
Molecular consequence: missense variant.
Genome position (GRCh38, 1-based): chr21:33,775,014, G>A. VCF-style: chr21-33775014-G-A. GRCh37 (hg19) VCF-style: chr21-35147318-G-A.
Other names: c.1502G>A, p.Cys501Tyr (NM_001001132.2, NM_001331008.2, NM_001331009.2 and 2 more transcripts); c.1391G>A, p.Cys464Tyr (NM_001331012.2); short protein forms C464Y, C501Y.
Identifiers: ClinVar variation 3370783 (VCV003370783.1).